The following is an entry in ClinVar:

NM_000520.6(HEXA):c.20G>A (p.Trp7Ter)

Gene: HEXA (hexosaminidase subunit alpha; minus strand). Cytogenetic location: 15q23.
Variant type: single nucleotide variant.
Coding change: c.20G>A on transcript NM_000520.6 (MANE Select); coding-DNA position 20, G replaced by A.
Protein change: p.Trp7Ter; replaces tryptophan 7 with a stop codon.
Molecular consequence: nonsense. On other transcripts: non-coding transcript variant (1).
Genome position (GRCh38, 1-based): chr15:72,375,953, C>T on the plus strand (G>A on the coding strand, the complement: HEXA is on the minus strand). VCF-style: chr15-72375953-C-T. GRCh37 (hg19) VCF-style: chr15-72668294-C-T.
Other names: c.20G>A (NM_000520.5); c.20G>A, p.Trp7Ter (NM_001318825.2); short protein forms W7*.
Identifiers: ClinVar variation 554731 (VCV000554731.7), dbSNP rs751546658, ClinGen allele CA272631303.

ClinVar aggregate classification (germline): Pathogenic/Likely pathogenic. Review status: criteria provided, multiple submitters, no conflicts (2 of 4 stars). 3 submissions from 3 submitters: Pathogenic (1); Likely pathogenic (1). 1 of the submissions does not count toward it. Last evaluated 2025-04-18.

Conditions:
Tay-Sachs disease (TSD). Also called: HEXA Disorders; HEXA DEFICIENCY; Hexosaminidase A Deficiency; GM2 gangliosidosis, type 1; Hexosaminidase alpha-subunit deficiency (variant B); Sphingolipidosis, Tay-Sachs. Identifiers: Orphanet 845, MedGen C0039373, MONDO:0010100, OMIM 272800.

Submissions (3):

Natera, Inc.
Classification: Likely pathogenic for Tay-Sachs disease. Last evaluated: 2025-04-18. Review status: criteria provided, single submitter. Criteria: Natera Variant Classification Schema (03/2026). Collection method: clinical testing. Allele origin: germline.
Comment: The c.20G>A variant in HEXA is a nonsense variant predicted to introduce a stop codon at amino acid 7. This variant is expected to result in nonsense mediated decay, truncation, or a dysfunctional protein product. This variant is rare in the general population with a frequency below the threshold expected for the associated phenotype(s). Given the available evidence, this variant is classified as Likely Pathogenic.

Labcorp Genetics (formerly Invitae), Labcorp
Classification: Pathogenic for Tay-Sachs disease. Last evaluated: 2025-01-15. Review status: criteria provided, single submitter. Criteria: Invitae Variant Classification Sherloc (09022015). Collection method: clinical testing. Allele origin: germline.
Comment: This sequence change creates a premature translational stop signal (p.Trp7*) in the HEXA gene. It is expected to result in an absent or disrupted protein product. Loss-of-function variants in HEXA are known to be pathogenic (PMID: 1833974, 8490625). This variant is not present in population databases (gnomAD no frequency). This variant has not been reported in the literature in individuals affected with HEXA-related conditions. ClinVar contains an entry for this variant (Variation ID: 554731). For these reasons, this variant has been classified as Pathogenic.

Counsyl
Classification: Likely pathogenic for Tay-Sachs disease. Last evaluated: 2017-11-07. Review status: no assertion criteria provided. Collection method: clinical testing. Allele origin: unknown. Not counted in ClinVar's aggregate classification.

Literature cited by the submitters: PubMed 1833974 (cited by Labcorp Genetics (formerly Invitae), Labcorp); PubMed 8490625 (cited by Labcorp Genetics (formerly Invitae), Labcorp).